The following is an entry in ClinVar:

NM_182760.4(SUMF1):c.1086A>G (p.Gly362=)

Gene: SUMF1 (sulfatase modifying factor 1; minus strand). Cytogenetic location: 3p26.1.
Variant type: single nucleotide variant.
Coding change: c.1086A>G on transcript NM_182760.4 (MANE Select); coding-DNA position 1086, A replaced by G.
Protein change: p.Gly362=; no amino-acid change (glycine 362 retained).
Molecular consequence: synonymous variant.
Genome position (GRCh38, 1-based): chr3:4,362,183, T>C on the plus strand (A>G on the coding strand, the complement: SUMF1 is on the minus strand). VCF-style: chr3-4362183-T-C. GRCh37 (hg19) VCF-style: chr3-4403867-T-C.
Other names: c.1011A>G, p.Gly337= (NM_001164674.2); c.1026A>G, p.Gly342= (NM_001164675.2).
Identifiers: ClinVar variation 4875353 (VCV004875353.2).

ClinVar aggregate classification (germline): Likely benign (1 of 4 stars; one submission).

Submission:

CeGaT Center for Human Genetics Tuebingen
Classification: Likely benign. Last evaluated: 2026-06-01. Review status: criteria provided, single submitter. Criteria: CeGaT Center For Human Genetics Tuebingen Variant Classification Criteria Version 2. Collection method: clinical testing. Allele origin: germline. Affected: yes. Observed: 1 variant allele.
Comment: SUMF1: PM2:Supporting, BP4, BP7